The following is an entry in ClinVar:

ClinVar aggregate classification (germline): Likely pathogenic (1 of 4 stars; one submission).

Submission:

GeneDx
Classification: Likely pathogenic. Last evaluated: 2026-02-27. Review status: criteria provided, single submitter. Criteria: GeneDx Variant Classification Process June 2021. Collection method: clinical testing. Allele origin: germline.
Comment: Not observed at significant frequency in large population cohorts (gnomAD); In silico analysis suggests this variant may impact gene splicing. In the absence of RNA/functional studies, the actual effect of this sequence change is unknown.; In silico analysis supports that this missense variant has a deleterious effect on protein structure/function; This variant is associated with the following publications: (PMID: 35392274, 32135084)

NM_001356.5(DDX3X):c.611C>T (p.Thr204Ile)

Gene: DDX3X (DEAD-box helicase 3 X-linked; plus strand). Cytogenetic location: Xp11.4.
Variant type: single nucleotide variant.
Coding change: c.611C>T on transcript NM_001356.5 (MANE Select); coding-DNA position 611, C replaced by T.
Protein change: p.Thr204Ile; replaces threonine 204 with isoleucine.
Molecular consequence: missense variant. On other transcripts: non-coding transcript variant (1).
Genome position (GRCh38, 1-based): chrX:41,343,283, C>T. VCF-style: chrX-41343283-C-T. GRCh37 (hg19) VCF-style: chrX-41202536-C-T.
Other names: c.611C>T, p.Thr204Ile (NM_001193416.3); c.563C>T, p.Thr188Ile (NM_001193417.3); c.53C>T, p.Thr18Ile (NM_001363819.1); short protein forms T188I, T18I, T204I.
Identifiers: ClinVar variation 5009854 (VCV005009854.1).
Genomic context (GRCh38, chrX:41,343,283, plus strand): 5'-ATGTTGAGATGGGAGAAATTATCATGGGAAACATTGAGCTTACTCGTTATACTCGCCCAA[C>T]TCCAGTGCAAAAGCATGCTATTCCTATTATCAAAGAGAAAAGAGACTTGATGGCTTGTGC-3'
Protein context (NP_001347.3, residues 194-214): NIELTRYTRP[Thr204Ile]PVQKHAIPII